The following is an entry in ClinVar:

NM_024577.4(SH3TC2):c.*20882A>G

Gene: SH3TC2 (SH3 domain and tetratricopeptide repeats 2; minus strand). Cytogenetic location: 5q32.
Variant type: single nucleotide variant.
Coding change: c.*20882A>G on transcript NM_024577.4 (MANE Select); 20882 bases downstream of the stop codon, A replaced by G.
Molecular consequence: 3 prime UTR variant.
Genome position (GRCh38, 1-based): chr5:148,983,829, T>C on the plus strand (A>G on the coding strand, the complement: SH3TC2 is on the minus strand). VCF-style: chr5-148983829-T-C. GRCh37 (hg19) VCF-style: chr5-148363392-T-C.
Identifiers: ClinVar variation 904419 (VCV000904419.4), dbSNP rs112269889, ClinGen allele CA128984720.
Genomic context (GRCh38, chr5:148,983,829, plus strand): 5'-AGTGCTAGGGAATAAGACACTCTTTTTTCTGTTCCAGTCAAACACAGGGGAGAGGGAAGA[T>C]AAGATGTAAACTTCTGGTCACCACCCTGAAACTGCATGAAGCTTAGGAATGAACAGGGAA-3'

ClinVar aggregate classification (germline): Conflicting classifications of pathogenicity. Review status: criteria provided, conflicting classifications (1 of 4 stars). 2 submissions from 1 submitter: Uncertain significance (1); Likely benign (1). Last evaluated 2018-01-13.

Conditions:
Susceptibility to mononeuropathy of the median nerve, mild. Also called: CARPAL TUNNEL SYNDROME, SUSCEPTIBILITY TO. Identifiers: MedGen C3150596, MONDO:0013237, OMIM 613353.
Charcot-Marie-Tooth disease type 4C (CMT4C). Also called: CMT 4C; Charcot-Marie-Tooth Neuropathy Type 4C (CMT4C); CHARCOT-MARIE-TOOTH DISEASE, DEMYELINATING, TYPE 4C; CHARCOT-MARIE-TOOTH DISEASE, DEMYELINATING, AUTOSOMAL RECESSIVE, TYPE 4C; SH3TC2-Related Hereditary Motor and Sensory Neuropathy. Identifiers: Orphanet 99949, MedGen C1866636, MONDO:0011113, OMIM 601596.

Allele frequency attached by ClinVar (database versions not stated): 1000 Genomes Project 30x 0.00125; 1000 Genomes Project 0.00140; gnomAD 0.00146 and 0.00150; TOPMed 0.00159.
gnomAD v4.1: 219 of 152,312 alleles (0.14%); highest among the groups gnomAD compares: African/African-American, 0.52%; 4 homozygotes.

Submissions (2):

Illumina Laboratory Services, Illumina
Classification: Likely benign for Susceptibility to mononeuropathy of the median nerve, mild. Last evaluated: 2018-01-13. Review status: criteria provided, single submitter. Criteria: ICSL Variant Classification Criteria 13 December 2019. Collection method: clinical testing. Allele origin: germline.
Comment: This variant was observed in the ICSL laboratory as part of a predisposition screen in an ostensibly healthy population. It had not been previously curated by ICSL or reported in the Human Gene Mutation Database (HGMD: prior to June 1st, 2018), and was therefore a candidate for classification through an automated scoring system. Utilizing variant allele frequency, disease prevalence and penetrance estimates, and inheritance mode, an automated score was calculated to assess if this variant is too frequent to cause the disease. Based on the score and internal cut-off values, a variant classified as likely benign is not then subjected to further curation. The score for this variant resulted in a classification of likely benign for this disease.

Illumina Laboratory Services, Illumina
Classification: Uncertain significance for Charcot-Marie-Tooth disease type 4C. Last evaluated: 2018-01-13. Review status: criteria provided, single submitter. Criteria: ICSL Variant Classification Criteria 13 December 2019. Collection method: clinical testing. Allele origin: germline.